The following is an entry in ClinVar:

NM_001145860.2(POP1):c.2087T>A (p.Val696Asp)

Gene: POP1 (POP1 homolog, ribonuclease P/MRP subunit; plus strand). Cytogenetic location: 8q22.2.
Variant type: single nucleotide variant.
Coding change: c.2087T>A on transcript NM_001145860.2 (MANE Select); coding-DNA position 2087, T replaced by A.
Protein change: p.Val696Asp; replaces valine 696 with aspartic acid.
Molecular consequence: missense variant.
Genome position (GRCh38, 1-based): chr8:98,156,079, T>A. VCF-style: chr8-98156079-T-A. GRCh37 (hg19) VCF-style: chr8-99168307-T-A.
Other names: c.2087T>A, p.Val696Asp (NM_001145861.2, NM_015029.3); short protein forms V696D.
Identifiers: ClinVar variation 1332833 (VCV001332833.3), dbSNP rs2130635894, ClinGen allele CA371773605.
Genomic context (GRCh38, chr8:98,156,079, plus strand): 5'-AACATTGGTTCTCCTGTATGTTTTTCTTTAGACGCCCTCCTGCAAAACGGCCCAACTACG[T>A]TAAGCTTGGCACTCTGGCACCTTTCTGCTGTCCCTGGGAGCAGTTAACTCAAGACTGGGA-3'
Protein context (NP_001139332.1, residues 686-706): RRPPAKRPNY[Val696Asp]KLGTLAPFCC

ClinVar aggregate classification (germline): Likely pathogenic. Review status: criteria provided, multiple submitters, no conflicts (2 of 4 stars). 2 submissions from 2 submitters: Likely pathogenic (2). Last evaluated 2024-02-01.

Conditions:
Anauxetic dysplasia 2 (ANXD2). Identifiers: MedGen C4479357, MONDO:0054561, OMIM 617396.

Submissions (2):

Neuberg Centre For Genomic Medicine, NCGM
Classification: Likely pathogenic for Anauxetic dysplasia 2. Last evaluated: 2024-02-01. Review status: criteria provided, single submitter. Criteria: ACMG Guidelines, 2015. Collection method: clinical testing. Allele origin: germline. Inheritance: Autosomal recessive inheritance. Affected: yes.
Comment: The above variant has been previously reported in individual(s) affected with POP1-related disorder (Uttarilli A, et al., 2019).

Kasturba Medical College, Manipal, Kasturba Medical College, Manipal, Manipal Academy of Higher Education, Manipal, India
Classification: Likely pathogenic for Anauxetic dysplasia 2. Review status: criteria provided, single submitter. Criteria: ACMG Guidelines, 2015. Collection method: clinical testing. Allele origin: inherited. Inheritance: Autosomal recessive inheritance. Affected: yes.

Literature cited by the submitters: PubMed 30408610 (cited by Kasturba Medical College, Manipal, Kasturba Medical College, Manipal, Manipal Academy of Higher Education, Manipal, India).